The following is an entry in ClinVar:

NM_031885.5(BBS2):c.1273_1274insAACTGGAGAGGTT (p.Gly425fs)

Gene: BBS2 (Bardet-Biedl syndrome 2; minus strand). Cytogenetic location: 16q13.
Variant type: Insertion.
Coding change: c.1273_1274insAACTGGAGAGGTT on transcript NM_031885.5 (MANE Select); coding-DNA positions 1273 to 1274, AACTGGAGAGGTT inserted.
Protein change: p.Gly425fs; shifts the reading frame from glycine 425.
Molecular consequence: frameshift variant. On other transcripts: non-coding transcript variant (2).
Genome position: GRCh38 VCF-style: chr16-56500977-C-CAACCTCTCCAGTT. GRCh37 (hg19) VCF-style: chr16-56534889-C-CAACCTCTCCAGTT.
Other names: c.1273_1274insAACTGGAGAGGTT, p.Gly425fs (NM_001377456.1); short protein forms G425fs.
Identifiers: ClinVar variation 1726852 (VCV001726852.2), dbSNP rs2543707814, ClinGen allele CA2580091665.

ClinVar aggregate classification (germline): Likely pathogenic (1 of 4 stars; one submission).

Conditions:
Bardet-Biedl syndrome 2 (BBS2). Identifiers: Orphanet 110, MedGen C2936863, MONDO:0014432, OMIM 615981.

Submission:

Myriad Genetics, Inc.
Classification: Likely pathogenic for Bardet-Biedl syndrome 2. Last evaluated: 2022-01-02. Review status: criteria provided, single submitter. Criteria: Myriad Women's Health Autosomal Recessive and X-Linked Classification Criteria (2021). Collection method: clinical testing. Allele origin: unknown.
Comment: NM_031885.3(BBS2):c.1273_1274ins13(G425Efs*6) is expected to be pathogenic in the context of Bardet-Biedl syndrome, BBS2-related. This variant is predicted to lead to an abnormal or absent protein product due to the creation of a premature termination codon in BBS2, a gene where loss-of-function variants are known to be pathogenic. Please note: this variant was assessed in the context of healthy population screening.